The following is an entry in ClinVar:

ClinVar aggregate classification (germline): Uncertain significance (1 of 4 stars; one submission).

Conditions:
Hereditary cancer-predisposing syndrome. Also called: Neoplastic Syndromes, Hereditary; Tumor predisposition; Hereditary Cancer Syndrome; Hereditary neoplastic syndrome. Identifiers: Orphanet 140162, MedGen C0027672, MeSH D009386, MONDO:0015356.

Submission:

Ambry Genetics
Classification: Uncertain significance for Hereditary cancer-predisposing syndrome. Last evaluated: 2024-09-22. Review status: criteria provided, single submitter. Criteria: Ambry Variant Classification Scheme 2023. Collection method: clinical testing. Allele origin: germline.
Comment: The p.A733S variant (also known as c.2197G>T), located in coding exon 13 of the PMS2 gene, results from a G to T substitution at nucleotide position 2197. The alanine at codon 733 is replaced by serine, an amino acid with similar properties. This amino acid position is conserved. In addition, the in silico prediction for this alteration is inconclusive. Based on the available evidence, the clinical significance of this variant remains unclear.

NM_000535.7(PMS2):c.2197G>T (p.Ala733Ser)

Gene: PMS2 (PMS1 homolog 2, mismatch repair system component; minus strand). Cytogenetic location: 7p22.1.
Variant type: single nucleotide variant.
Coding change: c.2197G>T on transcript NM_000535.7 (MANE Select); coding-DNA position 2197, G replaced by T.
Protein change: p.Ala733Ser; replaces alanine 733 with serine.
Molecular consequence: missense variant. On other transcripts: non-coding transcript variant (1), intron variant (2).
Genome position (GRCh38, 1-based): chr7:5,978,674, C>A on the plus strand (G>T on the coding strand, the complement: PMS2 is on the minus strand). VCF-style: chr7-5978674-C-A. GRCh37 (hg19) VCF-style: chr7-6018305-C-A.
Other names: c.1879G>T, p.Ala627Ser (NM_001406876.1, NM_001322007.2, NM_001322008.2 and 1 more transcripts); c.1888G>T, p.Ala630Ser (NM_001406877.1, NM_001406878.1, NM_001406879.1 and 5 more transcripts); c.1792G>T, p.Ala598Ser (NM_001322003.2, NM_001322004.2, NM_001322005.2 and 14 more transcripts); c.2041G>T, p.Ala681Ser (NM_001322006.2, NM_001406870.1); c.1636G>T, p.Ala546Ser (NM_001322010.2, NM_001406906.1, NM_001406907.1); c.1264G>T, p.Ala422Ser (NM_001322011.2, NM_001322012.2); c.1624G>T, p.Ala542Ser (NM_001322013.2, NM_001406908.1, NM_001406909.1); c.2197G>T, p.Ala733Ser (NM_001322014.2); and 16 more; short protein forms A542S, A575S, A677S, A681S, A741S, A795S, A332S, A476S.
Identifiers: ClinVar variation 3421514 (VCV003421514.1).